The following is an entry in ClinVar:

NM_014704.4(CEP104):c.2447G>T (p.Ser816Ile)

Gene: CEP104 (centrosomal protein 104; minus strand). Cytogenetic location: 1p36.32.
Variant type: single nucleotide variant.
Coding change: c.2447G>T on transcript NM_014704.4 (MANE Select); coding-DNA position 2447, G replaced by T.
Protein change: p.Ser816Ile; replaces serine 816 with isoleucine.
Molecular consequence: missense variant.
Genome position (GRCh38, 1-based): chr1:3,823,480, C>A on the plus strand (G>T on the coding strand, the complement: CEP104 is on the minus strand). VCF-style: chr1-3823480-C-A. GRCh37 (hg19) VCF-style: chr1-3740044-C-A.
Other names: short protein forms S816I.
Identifiers: ClinVar variation 1030348 (VCV001030348.1), dbSNP rs759250010, ClinGen allele CA551291.

ClinVar aggregate classification (germline): Uncertain significance (1 of 4 stars; one submission).

Conditions:
Joubert syndrome 25 (JBTS25). Identifiers: Orphanet 475, MedGen C4084842, MONDO:0014770, OMIM 616781.

Allele frequency attached by ClinVar (database versions not stated): ExAC 0.00001.

Submission:

Baylor Genetics
Classification: Uncertain significance for Joubert syndrome 25. Last evaluated: 2019-08-29. Review status: criteria provided, single submitter. Criteria: ACMG Guidelines, 2015. Collection method: clinical testing. Allele origin: unknown. Affected: yes.
Comment: This variant was determined to be of uncertain significance according to ACMG Guidelines, 2015 [PMID:25741868].